The following is an entry in ClinVar:

NM_004407.4(DMP1):c.683dup (p.Asn229fs)

Genes: DMP1 (dentin matrix acidic phosphoprotein 1; plus strand), DMP1-AS1 (DMP1 and DSPP antisense RNA 1; minus strand). Cytogenetic location: 4q22.1.
Variant type: Duplication.
Coding change: c.683dup on transcript NM_004407.4 (MANE Select); coding-DNA position 683, one base duplicated (G; older notation c.683dupG).
Protein change: p.Asn229fs; shifts the reading frame from asparagine 229.
Molecular consequence: frameshift variant.
Genome position (GRCh38, 1-based): chr4:87,662,461, G duplicated; the last of 4 consecutive G bases (chr4:87,662,458-87,662,461); duplicating any one gives the same sequence. VCF-style (leftmost placement, unchanged base first): chr4-87662457-A-AG. GRCh37 (hg19) VCF-style: chr4-88583609-A-AG.
Other names: c.635dup, p.Asn213fs (NM_001079911.3); short protein forms N213fs, N229fs.
Identifiers: ClinVar variation 3624144 (VCV003624144.2).

ClinVar aggregate classification (germline): Pathogenic (1 of 4 stars; one submission).

Submission:

Labcorp Genetics (formerly Invitae), Labcorp
Classification: Pathogenic. Last evaluated: 2024-07-31. Review status: criteria provided, single submitter. Criteria: Invitae Variant Classification Sherloc (09022015). Collection method: clinical testing. Allele origin: germline.
Comment: This sequence change creates a premature translational stop signal (p.Asn229Lysfs*19) in the DMP1 gene. It is expected to result in an absent or disrupted protein product. Loss-of-function variants in DMP1 are known to be pathogenic (PMID: 16294270, 17033621, 19007919). This variant is not present in population databases (gnomAD no frequency). This variant has not been reported in the literature in individuals affected with DMP1-related conditions. For these reasons, this variant has been classified as Pathogenic.

Literature cited by the submitters: PubMed 16294270; PubMed 17033621; PubMed 19007919.